The following is an entry in ClinVar:

ClinVar aggregate classification (germline): Likely benign. Review status: criteria provided, multiple submitters, no conflicts (2 of 4 stars). 3 submissions from 3 submitters: Likely benign (3). Last evaluated 2025-04-24.

Conditions:
Hereditary cancer-predisposing syndrome. Also called: Tumor predisposition; Neoplastic Syndromes, Hereditary; Hereditary Cancer Syndrome; Hereditary neoplastic syndrome. Identifiers: Orphanet 140162, MedGen C0027672, MeSH D009386, MONDO:0015356.
Ataxia-telangiectasia syndrome (AT). Also called: Ataxia-telangiectasia; Ataxia-telangiectasia, complementation group D; AT, COMPLEMENTATION GROUP C; LOUIS-BAR SYNDROME; Cerebello-oculocutaneous telangiectasia; Immunodeficiency with ataxia telangiectasia. Identifiers: Orphanet 100, MedGen C0004135, MONDO:0008840, OMIM 208900.

Allele frequency attached by ClinVar (database versions not stated): gnomAD exomes below 0.00001 and 0.00001; gnomAD 0.00001; TOPMed 0.00001.
gnomAD v4.1: 10 of 1,609,512 alleles (0.00062%); highest among the groups gnomAD compares: African/African-American, 0.0027%; no homozygotes.

Submissions (3):

Labcorp Genetics (formerly Invitae), Labcorp
Classification: Likely benign for Ataxia-telangiectasia syndrome. Last evaluated: 2025-04-24. Review status: criteria provided, single submitter. Criteria: Invitae Variant Classification Sherloc (09022015). Collection method: clinical testing. Allele origin: germline.

Color Diagnostics, LLC DBA Color Health
Classification: Likely benign for Hereditary cancer-predisposing syndrome. Last evaluated: 2017-10-24. Review status: criteria provided, single submitter. Criteria: ACMG Guidelines, 2015. Collection method: clinical testing. Allele origin: germline.

GeneDx
Classification: Likely benign. Last evaluated: 2017-03-29. Review status: criteria provided, single submitter. Criteria: GeneDx Variant Classification (06012015). Collection method: clinical testing. Allele origin: germline. Affected: yes.
Comment: This variant is considered likely benign or benign based on one or more of the following criteria: it is a conservative change, it occurs at a poorly conserved position in the protein, it is predicted to be benign by multiple in silico algorithms, and/or has population frequency not consistent with disease.

NM_000051.4(ATM):c.2838+20G>A

Gene: ATM (ATM serine/threonine kinase; plus strand). Cytogenetic location: 11q22.3.
Variant type: single nucleotide variant.
Coding change: c.2838+20G>A on transcript NM_000051.4 (MANE Select); 20 bases into the intron after coding-DNA position 2838, G replaced by A.
Molecular consequence: intron variant.
Genome position (GRCh38, 1-based): chr11:108,268,629, G>A. VCF-style: chr11-108268629-G-A. GRCh37 (hg19) VCF-style: chr11-108139356-G-A.
Other names: c.2838+20G>A (NM_001351834.2).
Identifiers: ClinVar variation 490495 (VCV000490495.8), dbSNP rs1310769991, ClinGen allele CA602132597.